The following is an entry in ClinVar:

NM_000535.7(PMS2):c.2396G>C (p.Arg799Pro)

Gene: PMS2 (PMS1 homolog 2, mismatch repair system component; minus strand). Cytogenetic location: 7p22.1.
Variant type: single nucleotide variant.
Coding change: c.2396G>C on transcript NM_000535.7 (MANE Select); coding-DNA position 2396, G replaced by C.
Protein change: p.Arg799Pro; replaces arginine 799 with proline.
Molecular consequence: missense variant. On other transcripts: non-coding transcript variant (1).
Genome position (GRCh38, 1-based): chr7:5,977,637, C>G on the plus strand (G>C on the coding strand, the complement: PMS2 is on the minus strand). VCF-style: chr7-5977637-C-G. GRCh37 (hg19) VCF-style: chr7-6017268-C-G.
Other names: c.1835G>C, p.Arg612Pro (NM_001322010.2, NM_001406906.1, NM_001406907.1); c.1463G>C, p.Arg488Pro (NM_001322011.2, NM_001322012.2); c.1823G>C, p.Arg608Pro (NM_001322013.2, NM_001406908.1, NM_001406909.1); c.2429G>C, p.Arg810Pro (NM_001322014.2); c.2087G>C, p.Arg696Pro (NM_001322015.2, NM_001406877.1, NM_001406878.1 and 4 more transcripts); c.2582G>C, p.Arg861Pro (NM_001406866.1); c.2420G>C, p.Arg807Pro (NM_001406868.1); c.2288G>C, p.Arg763Pro (NM_001406869.1); and 20 more; short protein forms R693P, R704P, R747P, R758P, R488P, R542P, R560P, R644P.
Identifiers: ClinVar variation 4140479 (VCV004140479.1).

ClinVar aggregate classification (germline): Uncertain significance (1 of 4 stars; one submission).

Conditions:
Hereditary cancer-predisposing syndrome. Also called: Hereditary neoplastic syndrome; Neoplastic Syndromes, Hereditary; Tumor predisposition; Hereditary Cancer Syndrome. Identifiers: Orphanet 140162, MedGen C0027672, MeSH D009386, MONDO:0015356.

Submission:

Ambry Genetics
Classification: Uncertain significance for Hereditary cancer-predisposing syndrome. Last evaluated: 2025-06-16. Review status: criteria provided, single submitter. Criteria: Ambry Variant Classification Scheme 2023. Collection method: clinical testing. Allele origin: germline.
Comment: The p.R799P variant (also known as c.2396G>C), located in coding exon 14 of the PMS2 gene, results from a G to C substitution at nucleotide position 2396. The arginine at codon 799 is replaced by proline, an amino acid with dissimilar properties. This amino acid position is highly conserved in available vertebrate species. In addition, this alteration is predicted to be deleterious by in silico analysis. Based on the available evidence, the clinical significance of this variant remains unclear.